The following is an entry in ClinVar:

NM_002768.5(CHMP1A):c.204C>T (p.Arg68=)

Gene: CHMP1A (charged multivesicular body protein 1A; minus strand). Cytogenetic location: 16q24.3.
Variant type: single nucleotide variant.
Coding change: c.204C>T on transcript NM_002768.5 (MANE Select); coding-DNA position 204, C replaced by T.
Protein change: p.Arg68=; no amino-acid change (arginine 68 retained).
Molecular consequence: synonymous variant. On other transcripts: missense variant (1), non-coding transcript variant (1).
Genome position (GRCh38, 1-based): chr16:89,649,399, G>A on the plus strand (C>T on the coding strand, the complement: CHMP1A is on the minus strand). VCF-style: chr16-89649399-G-A. GRCh37 (hg19) VCF-style: chr16-89715807-G-A.
Other names: c.184C>T, p.Arg62Cys (NM_001083314.4); short protein forms R62C.
Identifiers: ClinVar variation 510863 (VCV000510863.14), dbSNP rs199628110, ClinGen allele CA8247112.

ClinVar aggregate classification (germline): Conflicting classifications of pathogenicity. Review status: criteria provided, conflicting classifications (1 of 4 stars). 3 submissions from 3 submitters: Uncertain significance (1); Likely benign (2). Last evaluated 2026-01-09.

Conditions:
Pontocerebellar hypoplasia type 8 (PCH8). Identifiers: Orphanet 324569, MedGen C3554209, MONDO:0013990, OMIM 614961.

Allele frequency attached by ClinVar (database versions not stated): ESP Exome Variant Server 0.00008; gnomAD 0.00012 and 0.00015; TOPMed 0.00014; gnomAD exomes 0.00025 and 0.00036; ExAC 0.00046; 1000 Genomes Project 0.00060; 1000 Genomes Project 30x 0.00078.
gnomAD v4.1: 393 of 1,613,674 alleles (0.024%); highest among the groups gnomAD compares: South Asian, 0.16%; no homozygotes.

Submissions (3):

Labcorp Genetics (formerly Invitae), Labcorp
Classification: Likely benign. Last evaluated: 2026-01-09. Review status: criteria provided, single submitter. Criteria: Invitae Variant Classification Sherloc (09022015). Collection method: clinical testing. Allele origin: germline.

GeneDx
Classification: Likely benign. Last evaluated: 2018-10-02. Review status: criteria provided, single submitter. Criteria: GeneDx Variant Classification Process June 2021. Collection method: clinical testing. Allele origin: germline. Affected: yes.

Baylor Genetics
Classification: Uncertain significance for Pontocerebellar hypoplasia type 8. Last evaluated: 2018-07-19. Review status: criteria provided, single submitter. Criteria: ACMG Guidelines, 2015. Collection method: clinical testing. Allele origin: unknown. Affected: yes.
Comment: This variant was determined to be of uncertain significance according to ACMG Guidelines, 2015 [PMID:25741868].